The following is an entry in ClinVar:

NM_000059.4(BRCA2):c.166A>T (p.Asn56Tyr)

Gene: BRCA2 (BRCA2 DNA repair associated; plus strand). Cytogenetic location: 13q13.1.
Variant type: single nucleotide variant.
Coding change: c.166A>T on transcript NM_000059.4 (MANE Select); coding-DNA position 166, A replaced by T.
Protein change: p.Asn56Tyr; replaces asparagine 56 with tyrosine.
Molecular consequence: missense variant. On other transcripts: 5 prime UTR variant (1), non-coding transcript variant (1).
Genome position (GRCh38, 1-based): chr13:32,319,175, A>T. VCF-style: chr13-32319175-A-T. GRCh37 (hg19) VCF-style: chr13-32893312-A-T.
Other names: c.-204A>T (NM_001406722.1); c.166A>T, p.Asn56Tyr (NM_001432077.1, NM_001406719.1, NM_001406720.1 and 1 more transcripts); short protein forms N56Y.
Identifiers: ClinVar variation 4850686 (VCV004850686.1).
Genomic context (GRCh38, chr13:32,319,175, plus strand): 5'-TCTTCAGAAGCTCCACCCTATAATTCTGAACCTGCAGAAGAATCTGAACATAAAAACAAC[A>T]ATTACGAACCAAACCTATTTAAAACTCCACAAAGGAAACCATCTTATAATCAGCTGGCTT-3'
Protein context (NP_000050.3, residues 46-66): PAEESEHKNN[Asn56Tyr]YEPNLFKTPQ

ClinVar aggregate classification (germline): Likely benign (1 of 4 stars; one submission).

Conditions:
Inherited breast cancer and ovarian cancer.

Submission:

Genomics and Molecular Medicine Service, East Genomic Laboratory Hub, NHS Genomic Medicine Service
Classification: Likely benign for Inherited breast cancer and ovarian cancer. Last evaluated: 2026-04-08. Review status: criteria provided, single submitter. Criteria: ACGS Best Practice Guidelines for Variant Classification in Rare Disease 2020. Collection method: clinical testing. Allele origin: germline. Affected: yes.
Comment: BP1_Strong,BP4